The following is an entry in ClinVar:

ClinVar aggregate classification (germline): Conflicting classifications of pathogenicity. Review status: criteria provided, conflicting classifications (1 of 4 stars). 3 submissions from 3 submitters: Uncertain significance (2); Benign (1). Last evaluated 2025-06-30.

Conditions:
Gorlin syndrome. Also called: Basal cell nevus syndrome; Nevoid Basal Cell Carcinoma Syndrome. Identifiers: Orphanet 377, MedGen C0004779, MONDO:0007187.

Submissions (3):

Quest Diagnostics Nichols Institute San Juan Capistrano
Classification: Uncertain significance. Last evaluated: 2025-06-30. Review status: criteria provided, single submitter. Criteria: Quest Diagnostics criteria. Collection method: clinical testing. Allele origin: unknown.
Comment: The PTCH1 c.2156G>A (p.Ser719Asn) variant has not been reported in individuals with PTCH1-related conditions in the published literature. It also has not been reported in large, multi-ethnic general populations (Genome Aggregation Database). Analysis of this variant using bioinformatics tools for the prediction of the effect of amino acid changes on protein structure and function yielded predictions that this variant is benign. Based on the available information, we are unable to determine the clinical significance of this variant.

St. Jude Molecular Pathology, St. Jude Children's Research Hospital
Classification: Uncertain significance for Basal cell nevus syndrome 1. Last evaluated: 2023-07-25. Review status: criteria provided, single submitter. Criteria: St. Jude Assertion Criteria 2020. Collection method: clinical testing. Allele origin: germline.
Comment: The PTCH1 c.2156G>A (p.Ser719Asn) missense change is absent in gnomAD v2.1.1. The in silico tool REVEL is inconclusive about a pathogenic or benign effect of this variant on protein function, and to our knowledge functional studies have not been performed. To our knowledge, this variant has not been reported in individuals with nevoid basal cell carcinoma syndrome. In summary, the evidence currently available is insufficient to determine the clinical significance of this variant. It has therefore been classified as of uncertain significance.

Labcorp Genetics (formerly Invitae), Labcorp
Classification: Benign for Gorlin syndrome. Last evaluated: 2019-10-23. Review status: criteria provided, single submitter. Criteria: Invitae Variant Classification Sherloc (09022015). Collection method: clinical testing. Allele origin: germline.

NM_000264.5(PTCH1):c.2156G>A (p.Ser719Asn)

Genes: PTCH1 (patched 1; minus strand), LOC100507346 (uncharacterized LOC100507346; plus strand). Cytogenetic location: 9q22.32.
Variant type: single nucleotide variant.
Coding change: c.2156G>A on transcript NM_000264.5 (MANE Select); coding-DNA position 2156, G replaced by A.
Protein change: p.Ser719Asn; replaces serine 719 with asparagine.
Molecular consequence: missense variant. On other transcripts: non-coding transcript variant (2).
Genome position (GRCh38, 1-based): chr9:95,468,845, C>T on the plus strand (G>A on the coding strand, the complement: PTCH1 is on the minus strand). VCF-style: chr9-95468845-C-T. GRCh37 (hg19) VCF-style: chr9-98231127-C-T.
Other names: c.1958G>A, p.Ser653Asn (NM_001083602.3); c.2153G>A, p.Ser718Asn (NM_001083603.3); c.1703G>A, p.Ser568Asn (NM_001083604.3, NM_001083605.3, NM_001083606.3 and 1 more transcripts); c.2000G>A, p.Ser667Asn (NM_001354918.2); c.2156G>A (NM_000264.4); short protein forms S718N, S653N, S667N, S568N, S719N.
Identifiers: ClinVar variation 833887 (VCV000833887.12), dbSNP rs1840282022, ClinGen allele CA374115511.
Genomic context (GRCh38, chr9:95,468,845, plus strand): 5'-TGCTTCTCAGCAAAAGATGAGAGTGTCCACTTCGTACAGGGGGGCTCGAGGCAGTGGAGG[C>T]TGGAGTCGGAGAACTGGGAGAGCAGGTCCCTTGTGGAGCTGGTGCTCTCTGGGCTCTGGC-3'
Protein context (NP_000255.2, residues 709-729): RDLLSQFSDS[Ser719Asn]LHCLEPPCTK